The following is an entry in ClinVar:

NM_001364497.2(DPP6):c.60+138721G>A

Gene: DPP6 (dipeptidyl peptidase like 6; plus strand). Cytogenetic location: 7q36.2.
Variant type: single nucleotide variant.
Coding change: c.60+138721G>A on transcript NM_001364497.2; 138721 bases into the intron after coding-DNA position 60, G replaced by A.
Molecular consequence: intron variant. On other transcripts: missense variant (2), non-coding transcript variant (1).
Genome position (GRCh38, 1-based): chr7:153,887,729, G>A. VCF-style: chr7-153887729-G-A. GRCh37 (hg19) VCF-style: chr7-153584814-G-A.
Other names: c.46G>A, p.Val16Met (NM_001039350.3, NM_001364501.2); c.60+138721G>A (NM_001364500.2, NM_001364499.2, NM_001364498.2); short protein forms V16M.
Identifiers: ClinVar variation 3026626 (VCV003026626.20), dbSNP rs1563207362, ClinGen allele CA370200549.
Genomic context (GRCh38, chr7:153,887,729, plus strand): 5'-CGGACTTGGGGCAAAATGAAGGAAAAGGCCATGATCAAGACCGCTAAGATGCAGGGGAAC[G>A]TGATGGTGAGTGCCACGGACAGGGCGCGCGCTGGGTCGGGGGGACCCACCGTGAGGAGCG-3'

ClinVar aggregate classification (germline): Uncertain significance (1 of 4 stars; one submission).

gnomAD v4.1: 3 of 1,613,826 alleles (0.00019%); highest among the groups gnomAD compares: Non-Finnish European, 0.00025%; no homozygotes.

Submission:

CeGaT Center for Human Genetics Tuebingen
Classification: Uncertain significance. Last evaluated: 2023-12-01. Review status: criteria provided, single submitter. Criteria: CeGaT Center For Human Genetics Tuebingen Variant Classification Criteria Version 2. Collection method: clinical testing. Allele origin: germline. Affected: yes. Observed: 1 variant allele.
Comment: DPP6: PM2, BP4